The following is an entry in ClinVar:

NM_031443.4(CCM2):c.419C>A (p.Ala140Asp)

Gene: CCM2 (CCM2 scaffold protein; plus strand). Cytogenetic location: 7p13.
Variant type: single nucleotide variant.
Coding change: c.419C>A on transcript NM_031443.4 (MANE Select); coding-DNA position 419, C replaced by A.
Protein change: p.Ala140Asp; replaces alanine 140 with aspartic acid.
Molecular consequence: missense variant. On other transcripts: non-coding transcript variant (1).
Genome position (GRCh38, 1-based): chr7:45,064,593, C>A. VCF-style: chr7-45064593-C-A. GRCh37 (hg19) VCF-style: chr7-45104192-C-A.
Other names: c.482C>A, p.Ala161Asp (NM_001029835.2); c.245C>A, p.Ala82Asp (NM_001167934.2, NM_001363459.2); c.419C>A, p.Ala140Asp (NM_001167935.2, NM_001363458.2); short protein forms A82D, A161D, A140D.
Identifiers: ClinVar variation 1360751 (VCV001360751.6), dbSNP rs1208759821, ClinGen allele CA367430080.
Genomic context (GRCh38, chr7:45,064,593, plus strand): 5'-TCAAGCTGGCCTGGAGGGACGGGGAGGATATCATCCTCAGGGTGCCCATCCATGACATCG[C>A]CGCCGTCTCCTATGTTCGGGATGACGCTGCACACCTGGTGGTCCTGAAGACAGGTACAGG-3'
Protein context (NP_113631.1, residues 130-150): IILRVPIHDI[Ala140Asp]AVSYVRDDAA

ClinVar aggregate classification (germline): Uncertain significance (1 of 4 stars; one submission).

Conditions:
Cerebral cavernous malformation 2. Also called: Familial Cerebral Cavernous Malformation 2. Identifiers: Orphanet 221061, MedGen C1864041, MONDO:0011304, OMIM 603284.

Submission:

Labcorp Genetics (formerly Invitae), Labcorp
Classification: Uncertain significance for Cerebral cavernous malformation 2. Last evaluated: 2024-08-13. Review status: criteria provided, single submitter. Criteria: Invitae Variant Classification Sherloc (09022015). Collection method: clinical testing. Allele origin: germline.
Comment: This sequence change replaces alanine, which is neutral and non-polar, with aspartic acid, which is acidic and polar, at codon 140 of the CCM2 protein (p.Ala140Asp). This variant is not present in population databases (gnomAD no frequency). This variant has not been reported in the literature in individuals affected with CCM2-related conditions. ClinVar contains an entry for this variant (Variation ID: 1360751). Advanced modeling of protein sequence and biophysical properties (such as structural, functional, and spatial information, amino acid conservation, physicochemical variation, residue mobility, and thermodynamic stability) performed at Invitae indicates that this missense variant is not expected to disrupt CCM2 protein function with a negative predictive value of 80%. In summary, the available evidence is currently insufficient to determine the role of this variant in disease. Therefore, it has been classified as a Variant of Uncertain Significance.